The following is an entry in ClinVar:

NM_015040.4(PIKFYVE):c.2718C>T (p.Tyr906=)

Gene: PIKFYVE (phosphoinositide kinase, FYVE-type zinc finger containing; plus strand). Cytogenetic location: 2q34.
Variant type: single nucleotide variant.
Coding change: c.2718C>T on transcript NM_015040.4 (MANE Select); coding-DNA position 2718, C replaced by T.
Protein change: p.Tyr906=; no amino-acid change (tyrosine 906 retained).
Molecular consequence: synonymous variant.
Genome position (GRCh38, 1-based): chr2:208,325,529, C>T. VCF-style: chr2-208325529-C-T. GRCh37 (hg19) VCF-style: chr2-209190253-C-T.
Identifiers: ClinVar variation 333904 (VCV000333904.12), dbSNP rs61752187, ClinGen allele CA2079906.

ClinVar aggregate classification (germline): Benign/Likely benign. Review status: criteria provided, multiple submitters, no conflicts (2 of 4 stars). 4 submissions from 4 submitters: Benign (3); Likely benign (1). Last evaluated 2024-11-26.

Conditions:
Fleck corneal dystrophy (CFD). Also called: CORNEAL DYSTROPHY, FRANCOIS-NEETENS SPECKLED OR FLECKED. Identifiers: Orphanet 98970, MedGen C1562113, MONDO:0007376, OMIM 121850.

Allele frequency attached by ClinVar (database versions not stated): 1000 Genomes Project 0.00060; ESP Exome Variant Server 0.00077; 1000 Genomes Project 30x 0.00078; TOPMed 0.00078; gnomAD 0.00107 and 0.00108; gnomAD exomes 0.00117; ExAC 0.00122.
gnomAD v4.1: 1,609 of 1,614,124 alleles (0.1%); highest among the groups gnomAD compares: Middle Eastern, 0.23%; 4 homozygotes.

Submissions (4):

Blueprint Genetics
Classification: Likely benign. Last evaluated: 2024-11-26. Review status: criteria provided, single submitter. Criteria: ACMG Guidelines, 2015. Collection method: clinical testing. Allele origin: germline.

Labcorp Genetics (formerly Invitae), Labcorp
Classification: Benign. Last evaluated: 2024-08-27. Review status: criteria provided, single submitter. Criteria: Invitae Variant Classification Sherloc (09022015). Collection method: clinical testing. Allele origin: germline.

Illumina Laboratory Services, Illumina
Classification: Benign for Fleck corneal dystrophy. Last evaluated: 2018-01-13. Review status: criteria provided, single submitter. Criteria: ICSL Variant Classification Criteria 13 December 2019. Collection method: clinical testing. Allele origin: germline.
Comment: This variant was observed in the ICSL laboratory as part of a predisposition screen in an ostensibly healthy population. It had not been previously curated by ICSL or reported in the Human Gene Mutation Database (HGMD: prior to June 1st, 2018), and was therefore a candidate for classification through an automated scoring system. Utilizing variant allele frequency, disease prevalence and penetrance estimates, and inheritance mode, an automated score was calculated to assess if this variant is too frequent to cause the disease. Based on the score and internal cut-off values, a variant classified as benign is not then subjected to further curation. The score for this variant resulted in a classification of benign for this disease.

Breakthrough Genomics
Classification: Benign. Review status: criteria provided, single submitter. Criteria: ACMG Guidelines, 2015. Collection method: not provided. Allele origin: germline. Inheritance: Autosomal dominant inheritance. Affected: yes.